The following is an entry in ClinVar:

NM_007294.4(BRCA1):c.1687C>T (p.Gln563Ter)

Gene: BRCA1 (BRCA1 DNA repair associated; minus strand). Cytogenetic location: 17q21.31.
Variant type: single nucleotide variant.
Coding change: c.1687C>T on transcript NM_007294.4 (MANE Select); coding-DNA position 1687, C replaced by T.
Protein change: p.Gln563Ter; replaces glutamine 563 with a stop codon.
Molecular consequence: nonsense. On other transcripts: intron variant (137).
Genome position (GRCh38, 1-based): chr17:43,093,844, G>A on the plus strand (C>T on the coding strand, the complement: BRCA1 is on the minus strand). VCF-style: chr17-43093844-G-A. GRCh37 (hg19) VCF-style: chr17-41245861-G-A.
Other names: p.Q563*:CAG>TAG; 1806C>T; c.1306C>T, p.Gln436Ter (NM_001407960.1, NM_001407963.1, NM_001407959.1); c.1303C>T, p.Gln435Ter (NM_001407962.1); c.1543C>T, p.Gln515Ter (NM_001407964.1, NM_001407744.1, NM_001407745.1 and 20 more transcripts); c.1183C>T, p.Gln395Ter (NM_001407965.1); c.799C>T, p.Gln267Ter (NM_001407966.1, NM_001407967.1); c.1546C>T, p.Gln516Ter (NM_007297.4, NM_001407725.1, NM_001407726.1 and 29 more transcripts); and 42 more; short protein forms Q563*, Q516*, Q435*, Q536*, Q452*, Q493*, Q495*, Q496*.
Identifiers: ClinVar variation 37426 (VCV000037426.144), dbSNP rs80356898, ClinGen allele CA001106.
Genomic context (GRCh38, chr17:43,093,844, plus strand): 5'-TCGTTTTGAAAGCAGATTCTTTTTCGAGTGATTCTATTGGGTTAGGATTTTTCTCATTCT[G>A]AATAGAATCACCTTTTGTTTTATTCTCATGACCACTATTAGTAATATTCATCACTTGACC-3'

ClinVar aggregate classification (germline): Pathogenic. Review status: reviewed by expert panel (3 of 4 stars). 60 submissions from 55 submitters: Pathogenic (1). 59 of the submissions do not count toward it. Last evaluated 2016-04-22.

Conditions:
BRCA1-related disorder. Also called: BRCA1-related condition.
Pancreatic cancer, susceptibility to, 4. Identifiers: Orphanet 1333, MedGen C3280442, MONDO:0013685, OMIM 614320.
Familial cancer of breast. Also called: BREAST CANCER, FAMILIAL; Hereditary breast cancer; hereditary breast carcinoma. Identifiers: Orphanet 227535, MedGen C0346153, MONDO:0016419, OMIM 114480. Disease mechanism: loss of function.
Breast-ovarian cancer, familial, susceptibility to, 1 (BROVCA1). Also called: OVARIAN CANCER, SUSCEPTIBILITY TO; BRCA1 Hereditary Breast and Ovarian Cancer. Identifiers: Orphanet 145, MedGen C2676676, MONDO:0011450, OMIM 604370. Disease mechanism: loss of function.
Fanconi anemia, complementation group S (FANCS). Identifiers: MedGen C4554406, MONDO:0054748, OMIM 617883.
BRCA1-related cancer predisposition. Identifiers: MedGen CN377757, MONDO:0700268.
Breast and/or ovarian cancer. Identifiers: MedGen CN221562.
Hereditary cancer-predisposing syndrome. Also called: Neoplastic Syndromes, Hereditary; Tumor predisposition; Hereditary Cancer Syndrome; Hereditary neoplastic syndrome. Identifiers: Orphanet 140162, MedGen C0027672, MeSH D009386, MONDO:0015356.
Ovarian cancer. Also called: OVARIAN CANCER, SOMATIC. Identifiers: Orphanet 213500, MedGen C1140680, MONDO:0008170, OMIM 167000.
Hereditary breast ovarian cancer syndrome. Also called: Hereditary breast and ovarian cancer; Breast and ovarian cancer; Hereditary breast and/or ovarian cancer syndrome; Hereditary breast and ovarian cancer syndrome (HBOC); Hereditary breast and ovarian cancer syndrome; BRCA1- and BRCA2-Associated Hereditary Breast and Ovarian Cancer. Identifiers: Orphanet 145, MedGen C0677776, MeSH D061325, MONDO:0003582. Disease mechanism: loss of function.
Ovarian neoplasm. Also called: Ovarian tumor; Neoplasm of ovary; Ovarian Neoplasms. Identifiers: MedGen C0919267, MeSH D010051, MONDO:0021068, HP:0100615.
Endometrial carcinoma. Also called: Endometrial carcinoma, somatic. Identifiers: MedGen C0476089, MONDO:0002447, OMIM 608089, HP:0012114.
Breast carcinoma. Also called: Carcinoma of breast. Identifiers: MedGen C0678222, MONDO:0004989, HP:0003002.

Allele frequency attached by ClinVar (database versions not stated): gnomAD 0.00001; TOPMed 0.00001; ExAC 0.00004.
gnomAD v4.1: 15 of 1,613,306 alleles (0.00093%); highest among the groups gnomAD compares: Non-Finnish European, 0.0013%; no homozygotes.

Submissions 1 to 9 of 60:

Evidence-based Network for the Interpretation of Germline Mutant Alleles (ENIGMA)
Classification: Pathogenic for Breast-ovarian cancer, familial, susceptibility to, 1. Last evaluated: 2016-04-22. Review status: reviewed by expert panel. Criteria: ENIGMA BRCA1/2 Classification Criteria (2015). Collection method: curation. Allele origin: germline.
Comment: Variant allele predicted to encode a truncated non-functional protein.

Institute of Human Genetics, University of Leipzig Medical Center
Classification: Pathogenic for Familial cancer of breast. Last evaluated: 2026-06-22. Review status: criteria provided, single submitter. Criteria: ACMG Guidelines, 2015. Collection method: clinical testing. Allele origin: unknown. Inheritance: Autosomal dominant inheritance. Affected: yes. Not counted in ClinVar's aggregate classification.
Comment: Criteria applied: PVS1,PP4_VSTR,PM5_STR

CeGaT Center for Human Genetics Tuebingen
Classification: Pathogenic. Last evaluated: 2026-04-01. Review status: criteria provided, single submitter. Criteria: CeGaT Center For Human Genetics Tuebingen Variant Classification Criteria Version 2. Collection method: clinical testing. Allele origin: germline. Affected: yes. Observed: 3 variant alleles. Not counted in ClinVar's aggregate classification.
Comment: BRCA1: PVS1, PS4:Moderate, PM2:Supporting

Institute of Human Genetics, University of Leipzig Medical Center
Classification: Pathogenic for Breast-ovarian cancer, familial, susceptibility to, 1. Last evaluated: 2026-02-09. Review status: criteria provided, single submitter. Criteria: ACMG Guidelines, 2015. Collection method: clinical testing. Allele origin: unknown. Inheritance: Autosomal dominant inheritance. Affected: yes. Not counted in ClinVar's aggregate classification.
Comment: the same text as in the submission from Institute of Human Genetics, University of Leipzig Medical Center above.

Labcorp Genetics (formerly Invitae), Labcorp
Classification: Pathogenic for Hereditary breast ovarian cancer syndrome. Last evaluated: 2026-02-03. Review status: criteria provided, single submitter. Criteria: Invitae Variant Classification Sherloc (09022015). Collection method: clinical testing. Allele origin: germline. Not counted in ClinVar's aggregate classification.
Comment: This sequence change creates a premature translational stop signal (p.Gln563*) in the BRCA1 gene. It is expected to result in an absent or disrupted protein product. Loss-of-function variants in BRCA1 are known to be pathogenic (PMID: 20104584). This variant is present in population databases (rs80356898, gnomAD 0.005%). This premature translational stop signal has been observed in individual(s) with breast, ovarian, and pancreatic cancer (PMID: 21989927, 23199084, 24312913, 25330149, 25948282, 26852130). This variant is also known as 1806C>T. ClinVar contains an entry for this variant (Variation ID: 37426). For these reasons, this variant has been classified as Pathogenic.

Center for Genomic Medicine, Rigshospitalet, Copenhagen University Hospital
Classification: Pathogenic. Last evaluated: 2025-12-29. Review status: criteria provided, single submitter. Criteria: ACMG Guidelines, 2015. Collection method: clinical testing. Allele origin: germline. Not counted in ClinVar's aggregate classification.
Comment: Classification criteria: PVS1, PM5_strong

Helix
Classification: Pathogenic for Breast-ovarian cancer, familial, susceptibility to, 1. Last evaluated: 2025-10-23. Review status: criteria provided, single submitter. Criteria: ACMG Guidelines, 2015. Collection method: clinical testing. Allele origin: germline. Inheritance: Autosomal dominant inheritance. Not counted in ClinVar's aggregate classification.
Comment: This variant (NM_007294.4:c.1687C>T p.Gln563Ter) results in the creation of a premature stop codon in the BRCA1 gene. It is predicted to result in nonsense-mediated mRNA decay or in the production of a truncated protein, leading to loss-of-function (LOF). LOF variants in this gene are known to be deleterious (PMID: 20104584, 20301575). This variant is also known as 1806C>T. It is present in the gnomAD population database (v4.1) at the highest allele frequency in the European (non-Finnish) subpopulation among non-founder subpopulations (5/1179908 alleles, 0.001271%). This variant has been observed in numerous individuals with BRCA1-related cancers (PMID: 21989927, 30322717, 36169650, 36139606, 35409996). This variant is present in ClinVar (Variation ID: 37426). In conclusion, this variant has been classified as Pathogenic.

OLLIN Analises Genomicas, OLLIN
Classification: Pathogenic for Breast-ovarian cancer, familial, susceptibility to, 1. Last evaluated: 2025-09-15. Review status: criteria provided, single submitter. Criteria: ACMG Guidelines 2015 PMID 25741868. Collection method: clinical testing. Allele origin: germline. Affected: yes. Observed: 1 variant allele. Not counted in ClinVar's aggregate classification.
Comment: The nonsense variant (chr17:43093844G>A), located in exon 10 (of 23), is reported in ClinVar (VCV000037426.134), in gnomAD v4.1 non-UKB with an allele frequency of 0.0018%, and in the scientific literature in individuals with familial breast and ovarian cancer (PMID: 33471991). This variant, present in an exon with several other pathogenic loss-of-function variants, introduces a premature stop codon, resulting in a truncated protein or mRNA degradation via nonsense-mediated decay (NMD). According to currently available evidence and the specific ClinGen criteria for the gene (PMID: 39142283), this variant has been classified as pathogenic (PVS1, PS4, PM5_S).

PreventionGenetics, part of Exact Sciences
Classification: Pathogenic for BRCA1-related condition. Last evaluated: 2025-07-24. Review status: criteria provided, single submitter. Criteria: ACMG Guidelines, 2015. Collection method: clinical testing. Allele origin: germline. Not counted in ClinVar's aggregate classification.
Comment: The BRCA1 c.1687C>T variant is predicted to result in premature protein termination (p.Gln563*). This variant (also known as c.1806C>T in the literature) has been reported in individuals with autosomal dominant hereditary breast and ovarian cancer syndrome (HBOC) (Shattuck-Eidens et al. 1995. PubMed ID: 7837387; Schrader et al. 2012. PubMed ID: 22776961; Susswein et al. 2016. PubMed ID: 26681312). This variant has been described as a European founder variant (Kobayashi. 2017. PubMed ID: 28166811; Heramb. 2018. PubMed ID: 29339979; ElBiad et al. 2022. PubMed ID: 35216584), and is reported in 0.0062% of alleles in individuals of European (non-Finnish) descent in gnomAD. This variant is interpreted as pathogenic for by the Evidence-based Network for the Interpretation of Germline Mutant Alleles (ENIGMA) expert panel in ClinVar (Variation ID: 37426). Nonsense variants in BRCA1 are expected to be pathogenic. This variant is interpreted as pathogenic.